The following is an entry in ClinVar:

NM_001844.5(COL2A1):c.4185C>T (p.Asn1395=)

Gene: COL2A1 (collagen type II alpha 1 chain; minus strand). Cytogenetic location: 12q13.11.
Variant type: single nucleotide variant.
Coding change: c.4185C>T on transcript NM_001844.5 (MANE Select); coding-DNA position 4185, C replaced by T.
Protein change: p.Asn1395=; no amino-acid change (asparagine 1395 retained).
Molecular consequence: synonymous variant.
Genome position (GRCh38, 1-based): chr12:47,974,221, G>A on the plus strand (C>T on the coding strand, the complement: COL2A1 is on the minus strand). VCF-style: chr12-47974221-G-A. GRCh37 (hg19) VCF-style: chr12-48368004-G-A.
Other names: c.3978C>T, p.Asn1326= (NM_033150.3).
Identifiers: ClinVar variation 712731 (VCV000712731.12), dbSNP rs1284508374, ClinGen allele CA479450204.

ClinVar aggregate classification (germline): Conflicting classifications of pathogenicity. Review status: criteria provided, conflicting classifications (1 of 4 stars). 3 submissions from 3 submitters: Uncertain significance (1); Likely benign (2). Last evaluated 2026-07-01.

Conditions:
COL2A1-related disorder. Also called: COL2A1-related condition; COL2A1-related disorders.

Allele frequency attached by ClinVar (database versions not stated): gnomAD exomes below 0.00001; gnomAD 0.00001; TOPMed 0.00001.

Submissions (3):

PreventionGenetics, part of Exact Sciences
Classification: Likely benign for COL2A1-related condition. Last evaluated: 2026-07-01. Review status: criteria provided, single submitter. Criteria: ACMG Guidelines, 2015. Collection method: clinical testing. Allele origin: germline.
Comment: This variant is classified as likely benign based on ACMG/AMP sequence variant interpretation guidelines (Richards et al. 2015 PMID: 25741868, with internal and published modifications).

Labcorp Genetics (formerly Invitae), Labcorp
Classification: Likely benign. Last evaluated: 2025-04-18. Review status: criteria provided, single submitter. Criteria: Invitae Variant Classification Sherloc (09022015). Collection method: clinical testing. Allele origin: germline.

GeneDx
Classification: Uncertain significance. Last evaluated: 2024-02-15. Review status: criteria provided, single submitter. Criteria: GeneDx Variant Classification Process June 2021. Collection method: clinical testing. Allele origin: germline. Affected: yes.
Comment: In silico analysis supports that this variant does not alter splicing; Has not been previously published as pathogenic or benign to our knowledge